The following is an entry in ClinVar:

NM_020937.4(FANCM):c.187G>A (p.Glu63Lys)

Gene: FANCM (FA complementation group M; plus strand). Cytogenetic location: 14q21.2.
Variant type: single nucleotide variant.
Coding change: c.187G>A on transcript NM_020937.4 (MANE Select); coding-DNA position 187, G replaced by A.
Protein change: p.Glu63Lys; replaces glutamic acid 63 with lysine.
Molecular consequence: missense variant.
Genome position (GRCh38, 1-based): chr14:45,136,218, G>A. VCF-style: chr14-45136218-G-A. GRCh37 (hg19) VCF-style: chr14-45605421-G-A.
Other names: c.187G>A, p.Glu63Lys (NM_001308133.2, NM_001308134.2); short protein forms E63K.
Identifiers: ClinVar variation 957435 (VCV000957435.13), dbSNP rs768419961, ClinGen allele CA7168715.

ClinVar aggregate classification (germline): Uncertain significance. Review status: criteria provided, multiple submitters, no conflicts (2 of 4 stars). 3 submissions from 3 submitters: Uncertain significance (3). Last evaluated 2025-05-27.

Conditions:
Fanconi anemia (FA). Also called: Fanconi's anemia. Identifiers: Orphanet 84, MedGen C0015625, MeSH D005199, MONDO:0019391.
Inborn genetic diseases. Identifiers: MedGen C0950123, MeSH D030342.

Allele frequency attached by ClinVar (database versions not stated): ExAC 0.00001; gnomAD exomes 0.00001 and 0.00002; TOPMed 0.00004; gnomAD 0.00006.
gnomAD v4.1: 18 of 1,614,070 alleles (0.0011%); highest among the groups gnomAD compares: Admixed American, 0.025%; no homozygotes.

Submissions (3):

GeneDx
Classification: Uncertain significance. Last evaluated: 2025-05-27. Review status: criteria provided, single submitter. Criteria: GeneDx Variant Classification Process June 2021. Collection method: clinical testing. Allele origin: germline. Affected: yes.
Comment: Not observed at significant frequency in large population cohorts (gnomAD); In silico analysis supports that this missense variant has a deleterious effect on protein structure/function; Has not been previously published as pathogenic or benign to our knowledge; This variant is associated with the following publications: (PMID: 28069802)

Ambry Genetics
Classification: Uncertain significance for Inborn genetic diseases. Last evaluated: 2025-03-08. Review status: criteria provided, single submitter. Criteria: Ambry Variant Classification Scheme 2023. Collection method: clinical testing. Allele origin: germline.
Comment: The p.E63K variant (also known as c.187G>A), located in coding exon 1 of the FANCM gene, results from a G to A substitution at nucleotide position 187. The glutamic acid at codon 63 is replaced by lysine, an amino acid with similar properties. This amino acid position is conserved. In addition, this alteration is predicted to be tolerated by in silico analysis. Based on the available evidence, the clinical significance of this variant remains unclear.

Labcorp Genetics (formerly Invitae), Labcorp
Classification: Uncertain significance for Fanconi anemia. Last evaluated: 2019-08-14. Review status: criteria provided, single submitter. Criteria: Invitae Variant Classification Sherloc (09022015). Collection method: clinical testing. Allele origin: germline.
Comment: In summary, the available evidence is currently insufficient to determine the role of this variant in disease. Therefore, it has been classified as a Variant of Uncertain Significance. Algorithms developed to predict the effect of missense changes on protein structure and function are either unavailable or do not agree on the potential impact of this missense change (SIFT: "Tolerated"; PolyPhen-2: "Possibly Damaging"; Align-GVGD: "Class C0"). This variant has not been reported in the literature in individuals with FANCM-related conditions. This variant is present in population databases (rs768419961, ExAC 0.002%). This sequence change replaces glutamic acid with lysine at codon 63 of the FANCM protein (p.Glu63Lys). The glutamic acid residue is moderately conserved and there is a small physicochemical difference between glutamic acid and lysine.